The following is an entry in ClinVar:

ClinVar aggregate classification (germline): Likely benign. Review status: criteria provided, single submitter (1 of 4 stars). 2 submissions from 2 submitters: Likely benign (1). 1 of the submissions does not count toward it. Last evaluated 2025-07-27.

Conditions:
BBS7-related disorder. Also called: BBS7-related condition.
Bardet-Biedl syndrome (BBS). Identifiers: Orphanet 110, MedGen C0752166, MONDO:0015229.

Allele frequency attached by ClinVar (database versions not stated): gnomAD exomes below 0.00001; ExAC 0.00001; gnomAD 0.00001; TOPMed 0.00002; 1000 Genomes Project 30x 0.00016; 1000 Genomes Project 0.00020.
gnomAD v4.1: 9 of 1,612,742 alleles (0.00056%); highest among the groups gnomAD compares: Non-Finnish European, 0.00068%; no homozygotes.

Submissions (2):

Labcorp Genetics (formerly Invitae), Labcorp
Classification: Likely benign for Bardet-Biedl syndrome. Last evaluated: 2025-07-27. Review status: criteria provided, single submitter. Criteria: Invitae Variant Classification Sherloc (09022015). Collection method: clinical testing. Allele origin: germline.

PreventionGenetics, part of Exact Sciences
Classification: Likely benign for BBS7-related condition. Last evaluated: 2022-05-04. Review status: no assertion criteria provided. Collection method: clinical testing. Allele origin: germline. Not counted in ClinVar's aggregate classification.
Comment: This variant is classified as likely benign based on ACMG/AMP sequence variant interpretation guidelines (Richards et al. 2015 PMID: 25741868, with internal and published modifications).

NM_176824.3(BBS7):c.1053T>C (p.His351=)

Gene: BBS7 (Bardet-Biedl syndrome 7; minus strand). Cytogenetic location: 4q27.
Variant type: single nucleotide variant.
Coding change: c.1053T>C on transcript NM_176824.3 (MANE Select); coding-DNA position 1053, T replaced by C.
Protein change: p.His351=; no amino-acid change (histidine 351 retained).
Molecular consequence: synonymous variant.
Genome position (GRCh38, 1-based): chr4:121,845,681, A>G on the plus strand (T>C on the coding strand, the complement: BBS7 is on the minus strand). VCF-style: chr4-121845681-A-G. GRCh37 (hg19) VCF-style: chr4-122766836-A-G.
Other names: c.1053T>C, p.His351= (NM_018190.4).
Identifiers: ClinVar variation 738506 (VCV000738506.8), dbSNP rs202187503, ClinGen allele CA3064324.
Genomic context (GRCh38, chr4:121,845,681, plus strand): 5'-TTTGCTTGATTGAGAAGACTGTTGATAATTCTCTCTTTCCTGCAATACCTTATACTGCAA[A>G]TGTTCCAACTCATTCCTGGAGAAAAACACATACAAATTTGTCAAATATAAGTATAAACAT-3'
Protein context (NP_789794.1, residues 341-361): KISSLRNELE[His351=]LQYKVLQERE